The following is an entry in ClinVar:

NM_000487.6(ARSA):c.718_727del (p.Phe240fs)

Gene: ARSA (arylsulfatase A; minus strand). Cytogenetic location: 22q13.33.
Variant type: Deletion.
Coding change: c.718_727del on transcript NM_000487.6 (MANE Select); coding-DNA positions 718 to 727, 10 bases deleted (TTTGCAGAGC; older notation c.718_727delTTTGCAGAGC).
Protein change: p.Phe240fs; shifts the reading frame from phenylalanine 240.
Molecular consequence: frameshift variant.
Genome position (GRCh38, 1-based): chr22:50,626,718-50,626,727, GCTCTGCAAA deleted on the plus strand (TTTGCAGAGC on the coding strand, the reverse complement: ARSA is on the minus strand); deleting any 10 consecutive bases within chr22:50,626,718-50,626,734 gives the same sequence; the c. name uses the placement nearest the transcript's 3' end. VCF-style (leftmost placement, unchanged base first): chr22-50626717-CGCTCTGCAAA-C. GRCh37 (hg19) VCF-style: chr22-51065145-CGCTCTGCAAA-C.
Other names: c.718_727del, p.Phe240fs (NM_001085425.3, NM_001085426.3, NM_001085427.3); c.460_469del, p.Phe154fs (NM_001085428.3, NM_001362782.2); short protein forms F154fs, F240fs.
Identifiers: ClinVar variation 3643746 (VCV003643746.2).

ClinVar aggregate classification (germline): Pathogenic (1 of 4 stars; one submission).

Conditions:
Metachromatic leukodystrophy (MLD). Also called: CEREBROSIDE SULFATASE DEFICIENCY; ARSA DEFICIENCY; METACHROMATIC LEUKOENCEPHALOPATHY; SULFATIDE LIPIDOSIS; Cerebral sclerosis diffuse metachromatic form; Arylsulfatase A Deficiency. Identifiers: Orphanet 512, MedGen C0023522, MONDO:0018868, OMIM 250100.

Submission:

Labcorp Genetics (formerly Invitae), Labcorp
Classification: Pathogenic for Metachromatic leukodystrophy. Last evaluated: 2024-02-29. Review status: criteria provided, single submitter. Criteria: Invitae Variant Classification Sherloc (09022015). Collection method: clinical testing. Allele origin: germline.
Comment: This sequence change creates a premature translational stop signal (p.Phe240Valfs*11) in the ARSA gene. It is expected to result in an absent or disrupted protein product. Loss-of-function variants in ARSA are known to be pathogenic (PMID: 8962139, 10477432). This variant is not present in population databases (gnomAD no frequency). This variant has not been reported in the literature in individuals affected with ARSA-related conditions. For these reasons, this variant has been classified as Pathogenic.

Literature cited by the submitters: PubMed 8962139; PubMed 10477432.